The following is an entry in ClinVar:

NM_138420.4(AHNAK2):c.12711T>C (p.Asp4237=)

Gene: AHNAK2 (AHNAK nucleoprotein 2; minus strand). Cytogenetic location: 14q32.33.
Variant type: single nucleotide variant.
Coding change: c.12711T>C on transcript NM_138420.4 (MANE Select); coding-DNA position 12711, T replaced by C.
Protein change: p.Asp4237=; no amino-acid change (aspartic acid 4237 retained).
Molecular consequence: synonymous variant.
Genome position (GRCh38, 1-based): chr14:104,942,740, A>G on the plus strand (T>C on the coding strand, the complement: AHNAK2 is on the minus strand). VCF-style: chr14-104942740-A-G. GRCh37 (hg19) VCF-style: chr14-105409077-A-G.
Other names: c.12411T>C, p.Asp4137= (NM_001350929.2).
Identifiers: ClinVar variation 2644641 (VCV002644641.24), dbSNP rs367913960, ClinGen allele CA7378231.
Genomic context (GRCh38, chr14:104,942,740, plus strand): 5'-CACGACGGGGGTCATCACATCCGCCTTGGGGCCTTTCAGGTCCAGCTTGGGGCCCTTGAC[A>G]TCCACCTGGGGGCCCTTGAGGGCCACTTTGGGCATCTTCAAACAGGGCATCTGCACCTTG-3'
Protein context (NP_612429.2, residues 4227-4247): PKVALKGPQV[Asp4237=]VKGPKLDLKG

ClinVar aggregate classification (germline): Likely benign (1 of 4 stars; one submission).

Allele frequency attached by ClinVar (database versions not stated): ESP Exome Variant Server 0.00042; 1000 Genomes Project 0.00100; 1000 Genomes Project 30x 0.00109; gnomAD exomes 0.00111; gnomAD 0.00112; ExAC 0.00131; TOPMed 0.00147.

Submission:

CeGaT Center for Human Genetics Tuebingen
Classification: Likely benign. Last evaluated: 2026-05-01. Review status: criteria provided, single submitter. Criteria: CeGaT Center For Human Genetics Tuebingen Variant Classification Criteria Version 2. Collection method: clinical testing. Allele origin: germline. Affected: yes. Observed: 5 variant alleles.
Comment: AHNAK2: BP4, BP7, BS2